The following is an entry in ClinVar:

ClinVar aggregate classification (germline): Uncertain significance (1 of 4 stars; one submission).

Conditions:
Autosomal recessive distal spinal muscular atrophy 1. Also called: NEURONOPATHY, SEVERE INFANTILE AXONAL, WITH RESPIRATORY FAILURE; SEVERE INFANTILE AXONAL NEUROPATHY WITH RESPIRATORY FAILURE; SPINAL MUSCULAR ATROPHY, DIAPHRAGMATIC; NEURONOPATHY, DISTAL HEREDITARY MOTOR, HARDING TYPE VI; NEUROPATHY, DISTAL HEREDITARY MOTOR, AUTOSOMAL RECESSIVE 1; Spinal muscular atrophy with respiratory distress 1. Identifiers: Orphanet 98920, MedGen C1858517, MONDO:0011436, OMIM 604320.
Charcot-Marie-Tooth disease axonal type 2S. Also called: CHARCOT-MARIE-TOOTH DISEASE, AXONAL, AUTOSOMAL RECESSIVE, TYPE 2S; CHARCOT-MARIE-TOOTH NEUROPATHY, TYPE 2S. Identifiers: Orphanet 443073, MedGen C4015349, MONDO:0014511, OMIM 616155.

Allele frequency attached by ClinVar (database versions not stated): gnomAD exomes below 0.00001; gnomAD 0.00001; TOPMed 0.00001.

Submission:

Labcorp Genetics (formerly Invitae), Labcorp
Classification: Uncertain significance for Autosomal recessive distal spinal muscular atrophy 1; Charcot-Marie-Tooth disease axonal type 2S. Last evaluated: 2021-12-10. Review status: criteria provided, single submitter. Criteria: Invitae Variant Classification Sherloc (09022015). Collection method: clinical testing. Allele origin: germline.
Comment: This sequence change replaces serine, which is neutral and polar, with asparagine, which is neutral and polar, at codon 287 of the IGHMBP2 protein (p.Ser287Asn). This variant is present in population databases (no rsID available, gnomAD 0.007%). This variant has not been reported in the literature in individuals affected with IGHMBP2-related conditions. Advanced modeling of protein sequence and biophysical properties (such as structural, functional, and spatial information, amino acid conservation, physicochemical variation, residue mobility, and thermodynamic stability) performed at Invitae indicates that this missense variant is not expected to disrupt IGHMBP2 protein function. In summary, the available evidence is currently insufficient to determine the role of this variant in disease. Therefore, it has been classified as a Variant of Uncertain Significance.

NM_002180.3(IGHMBP2):c.860G>A (p.Ser287Asn)

Gene: IGHMBP2 (immunoglobulin mu DNA binding protein 2; plus strand). Cytogenetic location: 11q13.3.
Variant type: single nucleotide variant.
Coding change: c.860G>A on transcript NM_002180.3 (MANE Select); coding-DNA position 860, G replaced by A.
Protein change: p.Ser287Asn; replaces serine 287 with asparagine.
Molecular consequence: missense variant.
Genome position (GRCh38, 1-based): chr11:68,914,971, G>A. VCF-style: chr11-68914971-G-A. GRCh37 (hg19) VCF-style: chr11-68682439-G-A.
Other names: short protein forms S287N.
Identifiers: ClinVar variation 1507340 (VCV001507340.3), dbSNP rs899517052, ClinGen allele CA223392487.